The following is an entry in ClinVar:

ClinVar aggregate classification (germline): Uncertain significance. Review status: criteria provided, multiple submitters, no conflicts (2 of 4 stars). 4 submissions from 4 submitters: Uncertain significance (4). Last evaluated 2026-09-01.

Conditions:
Lichtenstein-Knorr syndrome (LIKNS). Also called: SPINOCEREBELLAR ATAXIA, AUTOSOMAL RECESSIVE 19. Identifiers: Orphanet 448251, MedGen C4225383, MONDO:0014572, OMIM 616291.

Allele frequency attached by ClinVar (database versions not stated): gnomAD 0.00002; ExAC 0.00003; TOPMed 0.00003; gnomAD exomes 0.00004.
gnomAD v4.1: 26 of 1,613,956 alleles (0.0016%); highest among the groups gnomAD compares: Middle Eastern, 0.016%; no homozygotes.

Submissions (4):

CeGaT Center for Human Genetics Tuebingen
Classification: Uncertain significance. Last evaluated: 2026-09-01. Review status: criteria provided, single submitter. Criteria: CeGaT Center For Human Genetics Tuebingen Variant Classification Criteria Version 2. Collection method: clinical testing. Allele origin: germline. Affected: yes. Observed: 1 variant allele.
Comment: SLC9A1: PM2, BP4

Ambry Genetics
Classification: Uncertain significance. Last evaluated: 2024-01-22. Review status: criteria provided, single submitter. Criteria: Ambry Variant Classification Scheme 2023. Collection method: clinical testing. Allele origin: germline.

Revvity Omics, Revvity
Classification: Uncertain significance for Lichtenstein-Knorr syndrome. Last evaluated: 2023-05-18. Review status: criteria provided, single submitter. Criteria: ACMG Guidelines, 2015. Collection method: clinical testing. Allele origin: germline.

Genomic Research Center, Shahid Beheshti University of Medical Sciences
Classification: Uncertain significance for Lichtenstein-knorr syndrome. Last evaluated: 2019-04-27. Review status: criteria provided, single submitter. Criteria: ACMG Guidelines, 2015. Collection method: clinical testing. Allele origin: inherited. Affected: yes.

NM_003047.5(SLC9A1):c.856G>A (p.Val286Met)

Gene: SLC9A1 (solute carrier family 9 member A1; minus strand). Cytogenetic location: 1p36.11.
Variant type: single nucleotide variant.
Coding change: c.856G>A on transcript NM_003047.5 (MANE Select); coding-DNA position 856, G replaced by A.
Protein change: p.Val286Met; replaces valine 286 with methionine.
Molecular consequence: missense variant. On other transcripts: non-coding transcript variant (1).
Genome position (GRCh38, 1-based): chr1:27,109,735, C>T on the plus strand (G>A on the coding strand, the complement: SLC9A1 is on the minus strand). VCF-style: chr1-27109735-C-T. GRCh37 (hg19) VCF-style: chr1-27436226-C-T.
Other names: c.856G>A (NM_003047.3); short protein forms V286M.
Identifiers: ClinVar variation 638455 (VCV000638455.7), dbSNP rs764274123, ClinGen allele CA711244.